The following is an entry in ClinVar:

ClinVar aggregate classification (germline): Uncertain significance (1 of 4 stars; one submission).

Submission:

Ambry Genetics
Classification: Uncertain significance. Last evaluated: 2022-10-30. Review status: criteria provided, single submitter. Criteria: Ambry Variant Classification Scheme 2023. Collection method: clinical testing. Allele origin: germline.
Comment: The p.M189I variant (also known as c.567G>C), located in coding exon 6 of the PRKDC gene, results from a G to C substitution at nucleotide position 567. The methionine at codon 189 is replaced by isoleucine, an amino acid with highly similar properties. This amino acid position is conserved. In addition, the in silico prediction for this alteration is inconclusive. Since supporting evidence is limited at this time, the clinical significance of this alteration remains unclear.

NM_006904.7(PRKDC):c.567G>C (p.Met189Ile)

Gene: PRKDC (protein kinase, DNA-activated, catalytic subunit; minus strand). Cytogenetic location: 8q11.21.
Variant type: single nucleotide variant.
Coding change: c.567G>C on transcript NM_006904.7 (MANE Select); coding-DNA position 567, G replaced by C.
Protein change: p.Met189Ile; replaces methionine 189 with isoleucine.
Molecular consequence: missense variant.
Genome position (GRCh38, 1-based): chr8:47,953,861, C>G on the plus strand (G>C on the coding strand, the complement: PRKDC is on the minus strand). VCF-style: chr8-47953861-C-G. GRCh37 (hg19) VCF-style: chr8-48866421-C-G.
Other names: c.567G>C, p.Met189Ile (NM_001081640.2); short protein forms M189I.
Identifiers: ClinVar variation 1749021 (VCV001749021.2), dbSNP rs867558443, ClinGen allele CA371138810.